The following is an entry in ClinVar:

ClinVar aggregate classification (germline): Likely benign (0 of 4 stars; one submission).

Conditions:
PCLO-related disorder. Also called: PCLO-related condition.

Allele frequency attached by ClinVar (database versions not stated): TOPMed below 0.00001; gnomAD 0.00001; gnomAD exomes 0.00001.
gnomAD v4.1: 11 of 1,608,838 alleles (0.00068%); highest among the groups gnomAD compares: Non-Finnish European, 0.00085%; no homozygotes.

Submission:

PreventionGenetics, part of Exact Sciences
Classification: Likely benign for PCLO-related condition. Last evaluated: 2023-02-04. Review status: no assertion criteria provided. Collection method: clinical testing. Allele origin: germline.
Comment: This variant is classified as likely benign based on ACMG/AMP sequence variant interpretation guidelines (Richards et al. 2015 PMID: 25741868, with internal and published modifications).

NM_033026.6(PCLO):c.4782G>A (p.Lys1594=)

Gene: PCLO (piccolo presynaptic cytomatrix protein; minus strand). Cytogenetic location: 7q21.11.
Variant type: single nucleotide variant.
Coding change: c.4782G>A on transcript NM_033026.6 (MANE Select); coding-DNA position 4782, G replaced by A.
Protein change: p.Lys1594=; no amino-acid change (lysine 1594 retained).
Molecular consequence: synonymous variant.
Genome position (GRCh38, 1-based): chr7:82,956,171, C>T on the plus strand (G>A on the coding strand, the complement: PCLO is on the minus strand). VCF-style: chr7-82956171-C-T. GRCh37 (hg19) VCF-style: chr7-82585487-C-T.
Other names: c.4782G>A, p.Lys1594= (NM_014510.3).
Identifiers: ClinVar variation 3051166 (VCV003051166.2), dbSNP rs1391090645, ClinGen allele CA456341726.